The following is an entry in ClinVar:

ClinVar aggregate classification (germline): Uncertain significance (1 of 4 stars; one submission).

Conditions:
Combined immunodeficiency due to DOCK8 deficiency (HIES2). Also called: HYPER-IgE SYNDROME 2, AUTOSOMAL RECESSIVE, WITH RECURRENT INFECTIONS; HIES autosomal recessive; HYPER-IgE RECURRENT INFECTION SYNDROME 2, AUTOSOMAL RECESSIVE; Hyper-IgE recurrent infection syndrome, autosomal recessive; DOCK8 Deficiency. Identifiers: Orphanet 217390, MedGen C4722305, MONDO:0009478, OMIM 243700.

Submission:

Labcorp Genetics (formerly Invitae), Labcorp
Classification: Uncertain significance for Combined immunodeficiency due to DOCK8 deficiency. Last evaluated: 2023-11-12. Review status: criteria provided, single submitter. Criteria: Invitae Variant Classification Sherloc (09022015). Collection method: clinical testing. Allele origin: germline.
Comment: This sequence change replaces leucine, which is neutral and non-polar, with phenylalanine, which is neutral and non-polar, at codon 693 of the DOCK8 protein (p.Leu693Phe). This variant is not present in population databases (gnomAD no frequency). This variant has not been reported in the literature in individuals affected with DOCK8-related conditions. Advanced modeling of protein sequence and biophysical properties (such as structural, functional, and spatial information, amino acid conservation, physicochemical variation, residue mobility, and thermodynamic stability) performed at Invitae indicates that this missense variant is expected to disrupt DOCK8 protein function with a positive predictive value of 80%. In summary, the available evidence is currently insufficient to determine the role of this variant in disease. Therefore, it has been classified as a Variant of Uncertain Significance.

NM_203447.4(DOCK8):c.2079G>T (p.Leu693Phe)

Gene: DOCK8 (dedicator of cytokinesis 8; plus strand). Cytogenetic location: 9p24.3.
Variant type: single nucleotide variant.
Coding change: c.2079G>T on transcript NM_203447.4 (MANE Select); coding-DNA position 2079, G replaced by T.
Protein change: p.Leu693Phe; replaces leucine 693 with phenylalanine.
Molecular consequence: missense variant.
Genome position (GRCh38, 1-based): chr9:372,256, G>T. VCF-style: chr9-372256-G-T. GRCh37 (hg19) VCF-style: chr9-372256-G-T.
Other names: c.1875G>T, p.Leu625Phe (NM_001190458.2, NM_001193536.2); short protein forms L693F, L625F.
Identifiers: ClinVar variation 2695353 (VCV002695353.3), dbSNP rs2538296695, ClinGen allele CA372762017.